The following is an entry in ClinVar:

NM_000088.4(COL1A1):c.2614-1G>C

Gene: COL1A1 (collagen type I alpha 1 chain; minus strand). Cytogenetic location: 17q21.33.
Variant type: single nucleotide variant.
Coding change: c.2614-1G>C on transcript NM_000088.4 (MANE Select); the canonical splice acceptor site of the intron before coding-DNA position 2614, G replaced by C.
Molecular consequence: splice acceptor variant.
Genome position (GRCh38, 1-based): chr17:50,189,733, C>G on the plus strand (G>C on the coding strand, the complement: COL1A1 is on the minus strand). VCF-style: chr17-50189733-C-G. GRCh37 (hg19) VCF-style: chr17-48267094-C-G.
Identifiers: ClinVar variation 2828175 (VCV002828175.4), dbSNP rs2509186079, ClinGen allele CA400207146.

ClinVar aggregate classification (germline): Pathogenic (1 of 4 stars; one submission).

Conditions:
Osteogenesis imperfecta type I (OI1). Also called: OI, TYPE I; OSTEOGENESIS IMPERFECTA TARDA; OSTEOGENESIS IMPERFECTA WITH BLUE SCLERAE; Osteogenesis imperfecta type 1; Lobstein's Disease; Lobstein disease. Identifiers: Orphanet 216796, Orphanet 666, MedGen C0023931, MONDO:0008146, OMIM 166200. Disease mechanism: loss of function.

Submissions (2):

Labcorp Genetics (formerly Invitae), Labcorp
Classification: Pathogenic for Osteogenesis imperfecta type I. Last evaluated: 2023-01-13. Review status: criteria provided, single submitter. Criteria: Invitae Variant Classification Sherloc (09022015). Collection method: clinical testing. Allele origin: germline.
Comment: This variant is not present in population databases (gnomAD no frequency). For these reasons, this variant has been classified as Pathogenic. Algorithms developed to predict the effect of sequence changes on RNA splicing suggest that this variant may disrupt the consensus splice site. Disruption of this splice site has been observed in individual(s) with osteogenesis imperfecta (PMID: 27509835, 32166892, 33939306). This sequence change affects an acceptor splice site in intron 37 of the COL1A1 gene. It is expected to disrupt RNA splicing. Variants that disrupt the donor or acceptor splice site typically lead to a loss of protein function (PMID: 16199547), and loss-of-function variants in COL1A1 are known to be pathogenic (PMID: 7942841, 9295084, 9443882).

Dr. Peter K. Rogan Lab, Western University
No classification provided (evidence only). Condition: Ovarian serous cystadenocarcinoma. Review status: no classification provided. Collection method: in vitro. Allele origin: not applicable. Functional consequence: retained intron. Not counted in ClinVar's aggregate classification.

Literature cited by the submitters: PubMed 27509835 (cited by Labcorp Genetics (formerly Invitae), Labcorp); PubMed 32166892 (cited by Labcorp Genetics (formerly Invitae), Labcorp); PubMed 33939306 (cited by Labcorp Genetics (formerly Invitae), Labcorp); PubMed 16199547 (cited by Labcorp Genetics (formerly Invitae), Labcorp); PubMed 7942841 (cited by Labcorp Genetics (formerly Invitae), Labcorp); PubMed 9295084 (cited by Labcorp Genetics (formerly Invitae), Labcorp); PubMed 9443882 (cited by Labcorp Genetics (formerly Invitae), Labcorp).